The following is an entry in ClinVar:

NM_139027.6(ADAMTS13):c.1706-3T>A

Gene: ADAMTS13 (ADAM metallopeptidase with thrombospondin type 1 motif 13; plus strand). Cytogenetic location: 9q34.2.
Variant type: single nucleotide variant.
Coding change: c.1706-3T>A on transcript NM_139027.6 (MANE Select); 3 bases into the intron before coding-DNA position 1706, T replaced by A.
Molecular consequence: intron variant.
Genome position (GRCh38, 1-based): chr9:133,439,363, T>A. VCF-style: chr9-133439363-T-A. GRCh37 (hg19) VCF-style: chr9-136304484-T-A.
Other names: NC_000009.11:g.136304484T>A; c.1706-3T>A (NM_139025.5); c.1613-3T>A (NM_139026.6).
Identifiers: ClinVar variation 914180 (VCV000914180.7), dbSNP rs781888317, ClinGen allele CA200931539.

ClinVar aggregate classification (germline): Uncertain significance. Review status: criteria provided, multiple submitters, no conflicts (2 of 4 stars). 2 submissions from 2 submitters: Uncertain significance (2). Last evaluated 2018-01-13.

Conditions:
Upshaw-Schulman syndrome (TTP). Also called: THROMBOTIC THROMBOCYTOPENIC PURPURA, HEREDITARY; Congenital thrombotic thrombocytopenic purpura. Identifiers: Orphanet 93583, MedGen C1268935, MONDO:0010122, OMIM 274150.

Allele frequency attached by ClinVar (database versions not stated): TOPMed below 0.00001; gnomAD exomes 0.00002; ExAC 0.00003.
gnomAD v4.1: 13 of 1,608,342 alleles (0.00081%); highest among the groups gnomAD compares: East Asian, 0.029%; no homozygotes.

Submissions (3):

Illumina Laboratory Services, Illumina
Classification: Uncertain significance for Upshaw-Schulman syndrome. Last evaluated: 2018-01-13. Review status: criteria provided, single submitter. Criteria: ICSL Variant Classification Criteria 13 December 2019. Collection method: clinical testing. Allele origin: germline.

Juno Genomics, Hangzhou Juno Genomics, Inc
Classification: Uncertain significance for Upshaw-Schulman syndrome. Review status: criteria provided, single submitter. Criteria: ACMG Guidelines, 2015. Collection method: clinical testing. Allele origin: germline.
Comment: Absent from controls (or at extremely low frequency if recessive) in Genome Aggregation Database.;Multiple lines of computational evidence support a deleterious effect on the gene or gene product.;For recessive disorders, detected in trans with a pathogenic variant.;Patient's phenotype or family history is highly specific for a disease with a single genetic etiology.

Dr. Peter K. Rogan Lab, Western University
No classification provided (evidence only). Condition: Cervical cancer. Review status: no classification provided. Collection method: in vitro. Allele origin: not applicable. Functional consequence: retained intron. Not counted in ClinVar's aggregate classification.